The following is an entry in ClinVar:

ClinVar aggregate classification (germline): Uncertain significance (1 of 4 stars; one submission).

Submission:

GeneDx
Classification: Uncertain significance. Last evaluated: 2024-11-20. Review status: criteria provided, single submitter. Criteria: GeneDx Variant Classification Process June 2021. Collection method: clinical testing. Allele origin: germline. Affected: yes.
Comment: Not observed at significant frequency in large population cohorts (gnomAD); In silico analysis supports that this missense variant has a deleterious effect on protein structure/function; Has not been previously published as pathogenic or benign to our knowledge

NM_001655.5(ARCN1):c.398T>C (p.Phe133Ser)

Gene: ARCN1 (archain 1; plus strand). Cytogenetic location: 11q23.3.
Variant type: single nucleotide variant.
Coding change: c.398T>C on transcript NM_001655.5 (MANE Select); coding-DNA position 398, T replaced by C.
Protein change: p.Phe133Ser; replaces phenylalanine 133 with serine.
Molecular consequence: missense variant. On other transcripts: non-coding transcript variant (2), intron variant (1).
Genome position (GRCh38, 1-based): chr11:118,583,309, T>C. VCF-style: chr11-118583309-T-C. GRCh37 (hg19) VCF-style: chr11-118454024-T-C.
Other names: c.134T>C, p.Phe45Ser (NM_001142281.2, NM_001425081.1); c.398T>C, p.Phe133Ser (NM_001425073.1, NM_001425077.1, NM_001425078.1); c.395T>C, p.Phe132Ser (NM_001425074.1, NM_001425079.1); c.341T>C, p.Phe114Ser (NM_001425075.1); c.329T>C, p.Phe110Ser (NM_001425076.1); c.4-500T>C (NM_001425080.1); short protein forms F110S, F114S, F132S, F133S, F45S.
Identifiers: ClinVar variation 3900554 (VCV003900554.1).